The following is an entry in ClinVar:

ClinVar aggregate classification (germline): Uncertain significance (1 of 4 stars; one submission).

gnomAD v4.1: 1 of 1,613,216 alleles (0.000062%); highest among the groups gnomAD compares: African/African-American, 0.0013%; no homozygotes.

Submission:

GeneDx
Classification: Uncertain significance. Last evaluated: 2025-06-13. Review status: criteria provided, single submitter. Criteria: GeneDx Variant Classification Process June 2021. Collection method: clinical testing. Allele origin: germline. Affected: yes.
Comment: Not observed at significant frequency in large population cohorts (gnomAD); In silico analysis suggests that this missense variant does not alter protein structure/function; Has not been previously published as pathogenic or benign to our knowledge

NM_000414.4(HSD17B4):c.839A>C (p.Glu280Ala)

Gene: HSD17B4 (hydroxysteroid 17-beta dehydrogenase 4; plus strand). Cytogenetic location: 5q23.1.
Variant type: single nucleotide variant.
Coding change: c.839A>C on transcript NM_000414.4 (MANE Select); coding-DNA position 839, A replaced by C.
Protein change: p.Glu280Ala; replaces glutamic acid 280 with alanine.
Molecular consequence: missense variant. On other transcripts: non-coding transcript variant (2).
Genome position (GRCh38, 1-based): chr5:119,493,917, A>C. VCF-style: chr5-119493917-A-C. GRCh37 (hg19) VCF-style: chr5-118829612-A-C.
Other names: c.914A>C, p.Glu305Ala (NM_001199291.3); c.785A>C, p.Glu262Ala (NM_001199292.2); c.767A>C, p.Glu256Ala (NM_001292027.2); c.419A>C, p.Glu140Ala (NM_001292028.2); c.830A>C, p.Glu277Ala (NM_001374497.1); c.839A>C, p.Glu280Ala (NM_001374498.1); c.512A>C, p.Glu171Ala (NM_001374499.1); c.398A>C, p.Glu133Ala (NM_001374500.1); and 1 more; short protein forms E133A, E140A, E143A, E171A, E256A, E262A, E277A, E280A.
Identifiers: ClinVar variation 4538030 (VCV004538030.1).